The following is an entry in ClinVar:

ClinVar aggregate classification (germline): Uncertain significance (1 of 4 stars; one submission).

Conditions:
Cardiovascular phenotype. Identifiers: MedGen CN230736.

Submission:

Ambry Genetics
Classification: Uncertain significance for Cardiovascular phenotype. Last evaluated: 2023-09-14. Review status: criteria provided, single submitter. Criteria: Ambry Variant Classification Scheme 2023. Collection method: clinical testing. Allele origin: germline.
Comment: The p.L1207S variant (also known as c.3620T>C), located in coding exon 26 of the LAMA4 gene, results from a T to C substitution at nucleotide position 3620. The leucine at codon 1207 is replaced by serine, an amino acid with dissimilar properties. This amino acid position is highly conserved in available vertebrate species. In addition, this alteration is predicted to be deleterious by in silico analysis. The evidence for this gene-disease relationship is limited; therefore, the clinical significance of this alteration is unclear.

NM_001105206.3(LAMA4):c.3641T>C (p.Leu1214Ser)

Gene: LAMA4 (laminin subunit alpha 4; minus strand). Cytogenetic location: 6q21.
Variant type: single nucleotide variant.
Coding change: c.3641T>C on transcript NM_001105206.3 (MANE Select); coding-DNA position 3641, T replaced by C.
Protein change: p.Leu1214Ser; replaces leucine 1214 with serine.
Molecular consequence: missense variant.
Genome position (GRCh38, 1-based): chr6:112,133,404, A>G on the plus strand (T>C on the coding strand, the complement: LAMA4 is on the minus strand). VCF-style: chr6-112133404-A-G. GRCh37 (hg19) VCF-style: chr6-112454606-A-G.
Other names: c.3620T>C, p.Leu1207Ser (NM_001105207.3, NM_002290.5); short protein forms L1207S, L1214S.
Identifiers: ClinVar variation 2625050 (VCV002625050.2), dbSNP rs2547005200, ClinGen allele CA365375496.